The following is an entry in ClinVar:

NM_001384474.1(LOXHD1):c.5085+2T>G

Gene: LOXHD1 (lipoxygenase homology PLAT domains 1; minus strand). Cytogenetic location: 18q21.1.
Variant type: single nucleotide variant.
Coding change: c.5085+2T>G on transcript NM_001384474.1 (MANE Select); the canonical splice donor site of the intron after coding-DNA position 5085, T replaced by G.
Molecular consequence: splice donor variant.
Genome position (GRCh38, 1-based): chr18:46,522,099, A>C on the plus strand (T>G on the coding strand, the complement: LOXHD1 is on the minus strand). VCF-style: chr18-46522099-A-C. GRCh37 (hg19) VCF-style: chr18-44102062-A-C.
Other names: c.1752+2T>G (NM_001145472.3); c.1464+2T>G (NM_001308013.2); c.5085+2T>G (NM_144612.7, NM_144612.6).
Identifiers: ClinVar variation 2745789 (VCV002745789.5), dbSNP rs2511598176, ClinGen allele CA402371375.

ClinVar aggregate classification (germline): Likely pathogenic. Review status: criteria provided, multiple submitters, no conflicts (2 of 4 stars). 3 submissions from 3 submitters: Likely pathogenic (3). Last evaluated 2024-04-20.

Conditions:
Autosomal recessive nonsyndromic hearing loss 77. Identifiers: Orphanet 90636, MedGen C2746083, MONDO:0013119, OMIM 613079.

Submissions (3):

Natera, Inc.
Classification: Likely pathogenic for Autosomal recessive deafness type 77. Last evaluated: 2024-04-20. Review status: criteria provided, single submitter. Criteria: Natera Variant Classification Schema (03/2026). Collection method: clinical testing. Allele origin: germline.
Comment: The c.5085+2T>G variant in LOXHD1 is a canonical splice donor site variant predicted to affect pre-mRNA splicing, which may result in an abnormal transcript and altered protein product. This variant is expected to result in nonsense mediated decay, truncation, or a dysfunctional protein product. This variant is rare in the general population with a frequency below the threshold expected for the associated phenotype(s). Given the available evidence, this variant is classified as Likely Pathogenic.

Fulgent Genetics
Classification: Likely pathogenic for Autosomal recessive nonsyndromic hearing loss 77. Last evaluated: 2024-03-28. Review status: criteria provided, single submitter. Criteria: ACMG Guidelines, 2015. Collection method: clinical testing. Allele origin: germline.

Labcorp Genetics (formerly Invitae), Labcorp
Classification: Likely pathogenic. Last evaluated: 2023-07-21. Review status: criteria provided, single submitter. Criteria: Invitae Variant Classification Sherloc (09022015). Collection method: clinical testing. Allele origin: germline.
Comment: This variant is not present in population databases (gnomAD no frequency). This variant has not been reported in the literature in individuals affected with LOXHD1-related conditions. Algorithms developed to predict the effect of sequence changes on RNA splicing suggest that this variant may disrupt the consensus splice site. In summary, the currently available evidence indicates that the variant is pathogenic, but additional data are needed to prove that conclusively. Therefore, this variant has been classified as Likely Pathogenic. This sequence change affects a donor splice site in intron 32 of the LOXHD1 gene. It is expected to disrupt RNA splicing. Variants that disrupt the donor or acceptor splice site typically lead to a loss of protein function (PMID: 16199547), and loss-of-function variants in LOXHD1 are known to be pathogenic (PMID: 19732867, 21465660, 25792669).

Literature cited by the submitters: PubMed 16199547 (cited by Labcorp Genetics (formerly Invitae), Labcorp); PubMed 19732867 (cited by Labcorp Genetics (formerly Invitae), Labcorp); PubMed 21465660 (cited by Labcorp Genetics (formerly Invitae), Labcorp); PubMed 25792669 (cited by Labcorp Genetics (formerly Invitae), Labcorp).